The following is an entry in ClinVar:

NM_000038.6(APC):c.730-2871A>G

Gene: APC (APC regulator of WNT signaling pathway; plus strand). Cytogenetic location: 5q22.2.
Variant type: single nucleotide variant.
Coding change: c.730-2871A>G on transcript NM_000038.6 (MANE Select); 2871 bases into the intron before coding-DNA position 730, A replaced by G.
Molecular consequence: intron variant.
Genome position (GRCh38, 1-based): chr5:112,798,408, A>G. VCF-style: chr5-112798408-A-G. GRCh37 (hg19) VCF-style: chr5-112134105-A-G.
Other names: c.730-2871A>G (NM_001354895.2, NM_001127510.3, NM_001354896.2 and 1 more transcripts); c.760-2871A>G (NM_001354897.2, NM_001354902.2); c.676-2871A>G (NM_001127511.3); c.655-2871A>G (NM_001354898.2, NM_001354904.2); c.-306-2871A>G (NM_001354906.2); c.646-2871A>G (NM_001354899.2); c.553-2871A>G (NM_001354900.2, NM_001354901.2, NM_001354905.2).
Identifiers: ClinVar variation 82501 (VCV000082501.2), dbSNP rs74345810, ClinGen allele CA013531.

ClinVar aggregate classification (germline): other (0 of 4 stars; one submission).

Conditions:
Familial colorectal cancer. Identifiers: MedGen CN280943, MONDO:0023113. Disease mechanism: loss of function.

Submission:

Systems Biology Platform Zhejiang California International NanoSystems Institute
Classification: other for Familial colorectal cancer. Review status: no assertion criteria provided. Collection method: not provided. Allele origin: unknown.
ClinVar note: Converted during submission from cancer to other.